The following is an entry in ClinVar:

ClinVar aggregate classification (germline): Likely benign (0 of 4 stars; one submission).

Conditions:
XIRP2-related disorder. Also called: XIRP2-related condition.

Allele frequency attached by ClinVar (database versions not stated): TOPMed 0.00002; gnomAD 0.00017; gnomAD exomes 0.00032; ExAC 0.00090; 1000 Genomes Project 0.00140; 1000 Genomes Project 30x 0.00141.
gnomAD v4.1: 493 of 1,610,900 alleles (0.031%); highest among the groups gnomAD compares: South Asian, 0.52%; 8 homozygotes.

Submission:

PreventionGenetics, part of Exact Sciences
Classification: Likely benign for XIRP2-related condition. Last evaluated: 2019-07-12. Review status: no assertion criteria provided. Collection method: clinical testing. Allele origin: germline.
Comment: This variant is classified as likely benign based on ACMG/AMP sequence variant interpretation guidelines (Richards et al. 2015 PMID: 25741868, with internal and published modifications).

NM_152381.6(XIRP2):c.461G>A (p.Gly154Glu)

Genes: XIRP2 (xin actin binding repeat containing 2; plus strand), XIRP2-AS1 (XIRP2 antisense RNA 1; minus strand). Cytogenetic location: 2q24.3.
Variant type: single nucleotide variant.
Coding change: c.461G>A on transcript NM_152381.6 (MANE Select); coding-DNA position 461, G replaced by A.
Protein change: p.Gly154Glu; replaces glycine 154 with glutamic acid.
Molecular consequence: missense variant.
Genome position (GRCh38, 1-based): chr2:167,135,961, G>A. VCF-style: chr2-167135961-G-A. GRCh37 (hg19) VCF-style: chr2-167992471-G-A.
Other names: c.461G>A, p.Gly154Glu (NM_001079810.4, NM_001199143.2); short protein forms G154E.
Identifiers: ClinVar variation 3049522 (VCV003049522.2), dbSNP rs368577607, ClinGen allele CA1946170.